The following is an entry in ClinVar:

NM_000358.3(TGFBI):c.1772C>A (p.Ser591Tyr)

Gene: TGFBI (transforming growth factor beta induced; plus strand). Cytogenetic location: 5q31.1.
Variant type: single nucleotide variant.
Coding change: c.1772C>A on transcript NM_000358.3 (MANE Select); coding-DNA position 1772, C replaced by A.
Protein change: p.Ser591Tyr; replaces serine 591 with tyrosine.
Molecular consequence: missense variant.
Genome position (GRCh38, 1-based): chr5:136,059,183, C>A. VCF-style: chr5-136059183-C-A. GRCh37 (hg19) VCF-style: chr5-135394872-C-A.
Other names: short protein forms S591Y.
Identifiers: ClinVar variation 984425 (VCV000984425.2), dbSNP rs1751703312, ClinGen allele CA361043969.

ClinVar aggregate classification (germline): Likely pathogenic (1 of 4 stars; one submission).

Conditions:
Thiel-Behnke corneal dystrophy (CDTB). Also called: Corneal dystrophy honeycomb shaped; Corneal dystrophy of the Bowman layer type 2. Identifiers: Orphanet 98960, MedGen C1562894, MONDO:0011185, OMIM 602082.

Submission:

Department of Medical Genetics, National Institute of Health
Classification: Likely pathogenic for Thiel-Behnke corneal dystrophy. Review status: criteria provided, single submitter. Criteria: ACMG Guidelines, 2015. Collection method: clinical testing. Allele origin: unknown. Inheritance: Autosomal dominant inheritance. Affected: yes. Observed: 1 heterozygote.
Comment: WES was performed on three family members. The analysis of the data of identified the heterozygous (c.1772C>A; p.Ser591Tyr) variant in the TGFBI gene. Bioinformatics analysis indicate that this variant is predicted to be disease causing. A high degree of conservation of this amino acid was demonstrated by a score of 5.52 calculated by Genomic Evolutionary Rate Profiling (GERP). and by a comparative amino acid sequence alignment of TGFBI across different species. Furthermore, the variant was not present in the GnomAD browser (accessed Nov 2020), nor in our in-house WES database of 100 unrelated individuals of Moroccan ethnicity that had been carried out for diseases other than corneal dystrophy.